The following is an entry in ClinVar:

NM_017633.3(TENT5A):c.116G>A (p.Gly39Asp)

Gene: TENT5A (terminal nucleotidyltransferase 5A; minus strand). Cytogenetic location: 6q14.1.
Variant type: single nucleotide variant.
Coding change: c.116G>A on transcript NM_017633.3 (MANE Select); coding-DNA position 116, G replaced by A.
Protein change: p.Gly39Asp; replaces glycine 39 with aspartic acid.
Molecular consequence: missense variant.
Genome position (GRCh38, 1-based): chr6:81,752,026, C>T on the plus strand (G>A on the coding strand, the complement: TENT5A is on the minus strand). VCF-style: chr6-81752026-C-T. GRCh37 (hg19) VCF-style: chr6-82461743-C-T.
Other names: short protein forms G39D.
Identifiers: ClinVar variation 3348220 (VCV003348220.2).

ClinVar aggregate classification (germline): Uncertain significance. Review status: criteria provided, single submitter (1 of 4 stars). 2 submissions from 2 submitters: Uncertain significance (1). 1 of the submissions does not count toward it. Last evaluated 2025-02-08.

Conditions:
TENT5A-related disorder. Also called: TENT5A-related condition.

Submissions (2):

Ambry Genetics
Classification: Uncertain significance. Last evaluated: 2025-02-08. Review status: criteria provided, single submitter. Criteria: Ambry Variant Classification Scheme 2023. Collection method: clinical testing. Allele origin: germline.

PreventionGenetics, part of Exact Sciences
Classification: Uncertain significance for TENT5A-related condition. Last evaluated: 2024-09-21. Review status: no assertion criteria provided. Collection method: clinical testing. Allele origin: germline. Not counted in ClinVar's aggregate classification.
Comment: The TENT5A c.116G>A variant is predicted to result in the amino acid substitution p.Gly39Asp. To our knowledge, this variant has not been reported in the literature. This variant is reported in 0.027% of alleles in individuals of European (Non-Finnish) descent in gnomAD. At this time, the clinical significance of this variant is uncertain due to the absence of conclusive functional and genetic evidence.